The following is an entry in ClinVar:

NM_024876.4(COQ8B):c.724G>A (p.Gly242Ser)

Gene: COQ8B (coenzyme Q8B; minus strand). Cytogenetic location: 19q13.2.
Variant type: single nucleotide variant.
Coding change: c.724G>A on transcript NM_024876.4 (MANE Select); coding-DNA position 724, G replaced by A.
Protein change: p.Gly242Ser; replaces glycine 242 with serine.
Molecular consequence: missense variant.
Genome position (GRCh38, 1-based): chr19:40,703,616, C>T on the plus strand (G>A on the coding strand, the complement: COQ8B is on the minus strand). VCF-style: chr19-40703616-C-T. GRCh37 (hg19) VCF-style: chr19-41209521-C-T.
Other names: c.601G>A, p.Gly201Ser (NM_001142555.3); short protein forms G242S, G201S.
Identifiers: ClinVar variation 2069455 (VCV002069455.5), dbSNP rs200975522, ClinGen allele CA9450298.
Genomic context (GRCh38, chr19:40,703,616, plus strand): 5'-CGCTCATCTTGAGTACCGCCAGCAGGTTCTGGACATCGCTCTGAATGCTCTGGGCTATGC[C>T]GGGGTACTGTAAAGGGAGAAGGGAGGGAGAGAAGGTGGGAGTCACTTCTCTGGGCTAGCA-3'
Protein context (NP_079152.3, residues 232-252): TEVAVKIQYP[Gly242Ser]IAQSIQSDVQ

ClinVar aggregate classification (germline): Uncertain significance. Review status: criteria provided, multiple submitters, no conflicts (2 of 4 stars). 2 submissions from 2 submitters: Uncertain significance (2). Last evaluated 2022-04-29.

Allele frequency attached by ClinVar (database versions not stated): gnomAD 0.00003; TOPMed 0.00004; 1000 Genomes Project 30x 0.00031; gnomAD exomes 0.00002; ExAC 0.00008; 1000 Genomes Project 0.00040.
gnomAD v4.1: 40 of 1,612,676 alleles (0.0025%); highest among the groups gnomAD compares: East Asian, 0.062%; no homozygotes.

Submissions (2):

Labcorp Genetics (formerly Invitae), Labcorp
Classification: Uncertain significance. Last evaluated: 2022-04-29. Review status: criteria provided, single submitter. Criteria: Invitae Variant Classification Sherloc (09022015). Collection method: clinical testing. Allele origin: germline.
Comment: This variant has not been reported in the literature in individuals affected with COQ8B-related conditions. In summary, the available evidence is currently insufficient to determine the role of this variant in disease. Therefore, it has been classified as a Variant of Uncertain Significance. Algorithms developed to predict the effect of missense changes on protein structure and function (SIFT, PolyPhen-2, Align-GVGD) all suggest that this variant is likely to be disruptive. This variant is present in population databases (rs200975522, gnomAD 0.06%). This sequence change replaces glycine, which is neutral and non-polar, with serine, which is neutral and polar, at codon 242 of the COQ8B protein (p.Gly242Ser).

Breakthrough Genomics
Classification: Uncertain significance. Review status: criteria provided, single submitter. Criteria: ACMG Guidelines, 2015. Collection method: not provided. Allele origin: germline. Inheritance: Autosomal dominant inheritance. Affected: yes.